The following is an entry in ClinVar:

ClinVar aggregate classification (germline): Conflicting classifications of pathogenicity. Review status: criteria provided, conflicting classifications (1 of 4 stars). 3 submissions from 3 submitters: Uncertain significance (2); Likely benign (1). Last evaluated 2025-01-27.

Conditions:
Cardiovascular phenotype. Identifiers: MedGen CN230736.
Dilated cardiomyopathy 1DD (CMD1DD). Identifiers: Orphanet 154, MedGen C2750995, MONDO:0013168, OMIM 613172.

gnomAD v4.1: 6 of 1,551,702 alleles (0.00039%); highest among the groups gnomAD compares: Non-Finnish European, 0.00052%; no homozygotes.

Submissions (3):

Ambry Genetics
Classification: Uncertain significance for Cardiovascular phenotype. Last evaluated: 2025-01-27. Review status: criteria provided, single submitter. Criteria: Ambry Variant Classification Scheme 2023. Collection method: clinical testing. Allele origin: germline.
Comment: The p.P1081L variant (also known as c.3242C>T), located in coding exon 11 of the RBM20 gene, results from a C to T substitution at nucleotide position 3242. The proline at codon 1081 is replaced by leucine, an amino acid with similar properties. This variant was reported in individual(s) with features consistent with dilated cardiomyopathy (Mazzarotto F et al. Circulation, 2020 Feb;141:387-398). This amino acid position is well conserved in available vertebrate species. In addition, this alteration is predicted to be tolerated by in silico analysis. Based on the available evidence, the clinical significance of this variant remains unclear.

Labcorp Genetics (formerly Invitae), Labcorp
Classification: Likely benign for Dilated cardiomyopathy 1DD. Last evaluated: 2023-11-11. Review status: criteria provided, single submitter. Criteria: Invitae Variant Classification Sherloc (09022015). Collection method: clinical testing. Allele origin: germline.

Women's Health and Genetics/Laboratory Corporation of America, LabCorp
Classification: Uncertain significance. Last evaluated: 2023-08-26. Review status: criteria provided, single submitter. Criteria: LabCorp Variant Classification Summary - May 2015. Collection method: clinical testing. Allele origin: germline.

Literature cited by the submitters: PubMed 31983221 (cited by Ambry Genetics).

NM_001134363.3(RBM20):c.3242C>T (p.Pro1081Leu)

Gene: RBM20 (RNA binding motif protein 20; plus strand). Cytogenetic location: 10q25.2.
Variant type: single nucleotide variant.
Coding change: c.3242C>T on transcript NM_001134363.3 (MANE Select); coding-DNA position 3242, C replaced by T.
Protein change: p.Pro1081Leu; replaces proline 1081 with leucine.
Molecular consequence: missense variant.
Genome position (GRCh38, 1-based): chr10:110,821,861, C>T. VCF-style: chr10-110821861-C-T. GRCh37 (hg19) VCF-style: chr10-112581619-C-T.
Other names: c.3242C>T (NM_001134363.2, NM_001134363.1); short protein forms P1081L.
Identifiers: ClinVar variation 2581389 (VCV002581389.5), dbSNP rs1268330519, ClinGen allele CA378382150.
Genomic context (GRCh38, chr10:110,821,861, plus strand): 5'-CATTTGTGGATGATTGCAAGACCAGGGGGACCCCCGAAGATGGGGCTTGTGAAGGCAGCC[C>T]CCTGGAGGAGAAAGCCAGCCCCCCCATCGAAACTGACCTCCAAAACCAAGCTTGCCAAGA-3'
Protein context (NP_001127835.2, residues 1071-1091): TPEDGACEGS[Pro1081Leu]LEEKASPPIE